The following is an entry in ClinVar:

NM_004370.6(COL12A1):c.4620G>T (p.Glu1540Asp)

Gene: COL12A1 (collagen type XII alpha 1 chain; minus strand). Cytogenetic location: 6q13.
Variant type: single nucleotide variant.
Coding change: c.4620G>T on transcript NM_004370.6 (MANE Select); coding-DNA position 4620, G replaced by T.
Protein change: p.Glu1540Asp; replaces glutamic acid 1540 with aspartic acid.
Molecular consequence: missense variant.
Genome position (GRCh38, 1-based): chr6:75,145,396, C>A on the plus strand (G>T on the coding strand, the complement: COL12A1 is on the minus strand). VCF-style: chr6-75145396-C-A. GRCh37 (hg19) VCF-style: chr6-75855112-C-A.
Other names: c.4620G>T (NM_004370.5); c.1128G>T, p.Glu376Asp (NM_080645.3); short protein forms E1540D, E376D.
Identifiers: ClinVar variation 1015744 (VCV001015744.10), dbSNP rs367865394, ClinGen allele CA3893398.

ClinVar aggregate classification (germline): Conflicting classifications of pathogenicity. Review status: criteria provided, conflicting classifications (1 of 4 stars). 4 submissions from 4 submitters: Uncertain significance (3); Likely benign (1). Last evaluated 2026-08-01.

Conditions:
Ullrich congenital muscular dystrophy 2 (UCMD2). Identifiers: Orphanet 75840, MedGen C4225314, MONDO:0014654, OMIM 616470.
Bethlem myopathy 2 (BTHLM2). Identifiers: Orphanet 536516, Orphanet 610, MedGen C4225313, MONDO:0034022, OMIM 616471.
Inborn genetic diseases. Identifiers: MedGen C0950123, MeSH D030342.

Allele frequency attached by ClinVar (database versions not stated): ExAC 0.00005; TOPMed 0.00013; ESP Exome Variant Server 0.00024.
gnomAD v4.1: 29 of 1,613,914 alleles (0.0018%); highest among the groups gnomAD compares: African/African-American, 0.032%; no homozygotes.

Submissions (4):

CeGaT Center for Human Genetics Tuebingen
Classification: Likely benign. Last evaluated: 2026-08-01. Review status: criteria provided, single submitter. Criteria: CeGaT Center For Human Genetics Tuebingen Variant Classification Criteria Version 2. Collection method: clinical testing. Allele origin: germline. Affected: yes. Observed: 1 variant allele.
Comment: COL12A1: BP4

Labcorp Genetics (formerly Invitae), Labcorp
Classification: Uncertain significance for Bethlem myopathy 2; Ullrich congenital muscular dystrophy 2. Last evaluated: 2026-01-19. Review status: criteria provided, single submitter. Criteria: Invitae Variant Classification Sherloc (09022015). Collection method: clinical testing. Allele origin: germline.
Comment: This sequence change replaces glutamic acid, which is acidic and polar, with aspartic acid, which is acidic and polar, at codon 1540 of the COL12A1 protein (p.Glu1540Asp). This variant is present in population databases (rs367865394, gnomAD 0.04%). This variant has not been reported in the literature in individuals affected with COL12A1-related conditions. ClinVar contains an entry for this variant (Variation ID: 1015744). Invitae Evidence Modeling of protein sequence and biophysical properties (such as structural, functional, and spatial information, amino acid conservation, physicochemical variation, residue mobility, and thermodynamic stability) indicates that this missense variant is not expected to disrupt COL12A1 protein function with a negative predictive value of 80%. In summary, the available evidence is currently insufficient to determine the role of this variant in disease. Therefore, it has been classified as a Variant of Uncertain Significance.

GeneDx
Classification: Uncertain significance. Last evaluated: 2024-05-14. Review status: criteria provided, single submitter. Criteria: GeneDx Variant Classification Process June 2021. Collection method: clinical testing. Allele origin: germline. Affected: yes.
Comment: Has not been previously published as pathogenic or benign to our knowledge; In silico analysis indicates that this missense variant does not alter protein structure/function

Ambry Genetics
Classification: Uncertain significance for Inborn genetic diseases. Last evaluated: 2024-03-15. Review status: criteria provided, single submitter. Criteria: Ambry Variant Classification Scheme 2023. Collection method: clinical testing. Allele origin: germline.